The following is an entry in ClinVar:

NM_001371928.1(AHDC1):c.3650A>G (p.Tyr1217Cys)

Gene: AHDC1 (AT-hook DNA binding motif containing 1; minus strand). Cytogenetic location: 1p36.11.
Variant type: single nucleotide variant.
Coding change: c.3650A>G on transcript NM_001371928.1 (MANE Select); coding-DNA position 3650, A replaced by G.
Protein change: p.Tyr1217Cys; replaces tyrosine 1217 with cysteine.
Molecular consequence: missense variant.
Genome position (GRCh38, 1-based): chr1:27,548,466, T>C on the plus strand (A>G on the coding strand, the complement: AHDC1 is on the minus strand). VCF-style: chr1-27548466-T-C. GRCh37 (hg19) VCF-style: chr1-27874977-T-C.
Other names: c.3650A>G, p.Tyr1217Cys (NM_001029882.3); c.-394A>G (NM_015699.1); short protein forms Y1217C.
Identifiers: ClinVar variation 2090629 (VCV002090629.4), dbSNP rs2148266370, ClinGen allele CA339225625.
Genomic context (GRCh38, chr1:27,548,466, plus strand): 5'-TTCCGCCGTCCACGGCCCGGCTTGGAGCTACTCTGAAAGAGGACACTCTGGTTCCAGTTG[T>C]AGCCGGGGGCAGATGATGCCTCGTTCCAGTCCATCATCAGTTTCTCCAGGCTGGACAGGC-3'
Protein context (NP_001358857.1, residues 1207-1227): DWNEASSAPG[Tyr1217Cys]NWNQSVLFQS

ClinVar aggregate classification (germline): Uncertain significance (1 of 4 stars; one submission).

Submission:

Labcorp Genetics (formerly Invitae), Labcorp
Classification: Uncertain significance. Last evaluated: 2024-12-02. Review status: criteria provided, single submitter. Criteria: Invitae Variant Classification Sherloc (09022015). Collection method: clinical testing. Allele origin: germline.
Comment: This sequence change replaces tyrosine, which is neutral and polar, with cysteine, which is neutral and slightly polar, at codon 1217 of the AHDC1 protein (p.Tyr1217Cys). This variant is not present in population databases (gnomAD no frequency). This variant has not been reported in the literature in individuals affected with AHDC1-related conditions. ClinVar contains an entry for this variant (Variation ID: 2090629). An algorithm developed to predict the effect of missense changes on protein structure and function (PolyPhen-2) suggests that this variant is likely to be disruptive. In summary, the available evidence is currently insufficient to determine the role of this variant in disease. Therefore, it has been classified as a Variant of Uncertain Significance.